The following is an entry in ClinVar:

NM_198253.3(TERT):c.2583-3T>C

Gene: TERT (telomerase reverse transcriptase; minus strand). Cytogenetic location: 5p15.33.
Variant type: single nucleotide variant.
Coding change: c.2583-3T>C on transcript NM_198253.3 (MANE Select); 3 bases into the intron before coding-DNA position 2583, T replaced by C.
Molecular consequence: intron variant.
Genome position (GRCh38, 1-based): chr5:1,266,538, A>G on the plus strand (T>C on the coding strand, the complement: TERT is on the minus strand). VCF-style: chr5-1266538-A-G. GRCh37 (hg19) VCF-style: chr5-1266653-A-G.
Other names: c.2583-3T>C (NM_001193376.3).
Identifiers: ClinVar variation 582714 (VCV000582714.1), dbSNP rs111436818, ClinGen allele CA112939486.

ClinVar aggregate classification (germline): Uncertain significance (1 of 4 stars; one submission).

Conditions:
Interstitial lung disease 2 (ILD2). Also called: Familial idiopathic pulmonary fibrosis; FIBROCYSTIC PULMONARY DYSPLASIA; FIBROSING ALVEOLITIS, CRYPTOGENIC. Identifiers: Orphanet 2032, Orphanet 79126, MedGen C5561926, MONDO:0800497, OMIM 178500, MONDO:0800029.
Dyskeratosis congenita, autosomal dominant 2. Identifiers: MedGen C3151443, MONDO:0013521, OMIM 613989.

Submission:

Labcorp Genetics (formerly Invitae), Labcorp
Classification: Uncertain significance for Dyskeratosis congenita, autosomal dominant, 2; Idiopathic fibrosing alveolitis, chronic form. Last evaluated: 2018-06-28. Review status: criteria provided, single submitter. Criteria: Invitae Variant Classification Sherloc (09022015). Collection method: clinical testing. Allele origin: germline.
Comment: This sequence change falls in intron 9 of the TERT gene. It does not directly change the encoded amino acid sequence of the TERT protein, but it affects a nucleotide within the consensus splice site of the intron. This variant is not present in population databases (ExAC no frequency). This variant has not been reported in the literature in individuals with TERT-related disease. Nucleotide substitutions within the consensus splice site are a relatively common cause of aberrant splicing (PMID: 17576681, 9536098). Algorithms developed to predict the effect of sequence changes on RNA splicing suggest that this variant is not likely to affect RNA splicing, but this prediction has not been confirmed by published transcriptional studies. In summary, the available evidence is currently insufficient to determine the role of this variant in disease. Therefore, it has been classified as a Variant of Uncertain Significance.